The following is an entry in ClinVar:

ClinVar aggregate classification (germline): Likely benign (1 of 4 stars; one submission).

Submission:

Center for Pediatric Genomic Medicine, Children's Mercy Hospital and Clinics
Classification: Likely benign. Last evaluated: 2015-08-12. Review status: criteria provided, single submitter. Criteria: ACMG Guidelines, 2015. Collection method: clinical testing. Allele origin: germline.
ClinVar note: Converted during submission from Likely Benign to Likely benign.

NC_012920.1(MT-ATP6):m.9072A>G

Gene: MT-ATP6 (mitochondrially encoded ATP synthase 6; plus strand).
Variant type: single nucleotide variant.
Genome position: chrM-9072-A-G.
Identifiers: ClinVar variation 235631 (VCV000235631.3), dbSNP rs6650106, ClinGen allele CA10581382.